The following is an entry in ClinVar:

NM_181882.3(PRX):c.1890G>A (p.Lys630=)

Gene: PRX (periaxin; minus strand). Cytogenetic location: 19q13.2.
Variant type: single nucleotide variant.
Coding change: c.1890G>A on transcript NM_181882.3 (MANE Select); coding-DNA position 1890, G replaced by A.
Protein change: p.Lys630=; no amino-acid change (lysine 630 retained).
Molecular consequence: synonymous variant. On other transcripts: 3 prime UTR variant (1).
Genome position (GRCh38, 1-based): chr19:40,396,462, C>T on the plus strand (G>A on the coding strand, the complement: PRX is on the minus strand). VCF-style: chr19-40396462-C-T. GRCh37 (hg19) VCF-style: chr19-40902369-C-T.
Other names: c.2175G>A, p.Lys725= (NM_001411127.1); c.*2095G>A (NM_020956.2).
Identifiers: ClinVar variation 3711196 (VCV003711196.15).

ClinVar aggregate classification (germline): Likely benign. Review status: criteria provided, multiple submitters, no conflicts (2 of 4 stars). 2 submissions from 2 submitters: Likely benign (2). Last evaluated 2025-06-11.

Conditions:
Charcot-Marie-Tooth disease type 4. Also called: Charcot-Marie-Tooth, Type 4; Charcot-Marie-Tooth disease, type IV. Identifiers: Orphanet 64749, MedGen C4082197, MONDO:0018995.

Submissions (2):

Labcorp Genetics (formerly Invitae), Labcorp
Classification: Likely benign for Charcot-Marie-Tooth disease type 4. Last evaluated: 2025-06-11. Review status: criteria provided, single submitter. Criteria: Invitae Variant Classification Sherloc (09022015). Collection method: clinical testing. Allele origin: germline.

CeGaT Center for Human Genetics Tuebingen
Classification: Likely benign. Last evaluated: 2025-02-01. Review status: criteria provided, single submitter. Criteria: CeGaT Center For Human Genetics Tuebingen Variant Classification Criteria Version 2. Collection method: clinical testing. Allele origin: germline. Affected: yes. Observed: 1 variant allele.
Comment: PRX: BP4, BP7